The following is an entry in ClinVar:

NM_001429.4(EP300):c.1694C>G (p.Thr565Ser)

Gene: EP300 (EP300 lysine acetyltransferase; plus strand). Cytogenetic location: 22q13.2.
Variant type: single nucleotide variant.
Coding change: c.1694C>G on transcript NM_001429.4 (MANE Select); coding-DNA position 1694, C replaced by G.
Protein change: p.Thr565Ser; replaces threonine 565 with serine.
Molecular consequence: missense variant.
Genome position (GRCh38, 1-based): chr22:41,137,724, C>G. VCF-style: chr22-41137724-C-G. GRCh37 (hg19) VCF-style: chr22-41533728-C-G.
Other names: c.1694C>G, p.Thr565Ser (NM_001362843.2); short protein forms T565S.
Identifiers: ClinVar variation 4986162 (VCV004986162.1).

ClinVar aggregate classification (germline): Uncertain significance (1 of 4 stars; one submission).

Conditions:
EP300-related disorder. Also called: EP300-related condition; EP300-related disorders.

gnomAD v4.1: 1 of 1,614,214 alleles (0.000062%); highest among the groups gnomAD compares: African/African-American, 0.0013%; no homozygotes.

Submission:

PreventionGenetics, part of Exact Sciences
Classification: Uncertain significance for EP300-related condition. Last evaluated: 2025-11-03. Review status: criteria provided, single submitter. Criteria: ACMG Guidelines, 2015. Collection method: clinical testing. Allele origin: germline.
Comment: The EP300 c.1694C>G variant is predicted to result in the amino acid substitution p.Thr565Ser. To our knowledge, this variant has not been reported in the literature or in a large population database (gnomAD), indicating this variant is rare. At this time, the clinical significance of this variant is uncertain due to the absence of conclusive functional and genetic evidence.